The following is an entry in ClinVar:

NM_015062.5(PPRC1):c.253C>T (p.Leu85=)

Gene: PPRC1 (PPARG related coactivator 1; plus strand). Cytogenetic location: 10q24.32.
Variant type: single nucleotide variant.
Coding change: c.253C>T on transcript NM_015062.5 (MANE Select); coding-DNA position 253, C replaced by T.
Protein change: p.Leu85=; no amino-acid change (leucine 85 retained).
Molecular consequence: synonymous variant. On other transcripts: 5 prime UTR variant (1).
Genome position (GRCh38, 1-based): chr10:102,137,949, C>T. VCF-style: chr10-102137949-C-T. GRCh37 (hg19) VCF-style: chr10-103897706-C-T.
Other names: c.253C>T, p.Leu85= (NM_001288727.2); c.-7C>T (NM_001288728.2).
Identifiers: ClinVar variation 3040796 (VCV003040796.2), dbSNP rs745910489, ClinGen allele CA5660614.

ClinVar aggregate classification (germline): Likely benign (0 of 4 stars; one submission).

Conditions:
PPRC1-related disorder. Also called: PPRC1-related condition.

Allele frequency attached by ClinVar (database versions not stated): gnomAD exomes 0.00001; ExAC 0.00005; gnomAD 0.00005; TOPMed 0.00005.
gnomAD v4.1: 23 of 1,614,048 alleles (0.0014%); highest among the groups gnomAD compares: Admixed American, 0.022%; no homozygotes.

Submission:

PreventionGenetics, part of Exact Sciences
Classification: Likely benign for PPRC1-related condition. Last evaluated: 2019-03-04. Review status: no assertion criteria provided. Collection method: clinical testing. Allele origin: germline.
Comment: This variant is classified as likely benign based on ACMG/AMP sequence variant interpretation guidelines (Richards et al. 2015 PMID: 25741868, with internal and published modifications).